The following is an entry in ClinVar:

ClinVar aggregate classification (germline): Uncertain significance (1 of 4 stars; one submission).

Conditions:
Brody myopathy. Also called: BRODY DISEASE. Identifiers: Orphanet 53347, MedGen C1832918, MONDO:0010977, OMIM 601003.

Allele frequency attached by ClinVar (database versions not stated): gnomAD 0.00001; TOPMed 0.00001; ExAC 0.00003; 1000 Genomes Project 30x 0.00016; 1000 Genomes Project 0.00020.
gnomAD v4.1: 15 of 1,614,196 alleles (0.00093%); highest among the groups gnomAD compares: South Asian, 0.0033%; no homozygotes.

Submission:

Labcorp Genetics (formerly Invitae), Labcorp
Classification: Uncertain significance for Brody myopathy. Last evaluated: 2021-01-03. Review status: criteria provided, single submitter. Criteria: Invitae Variant Classification Sherloc (09022015). Collection method: clinical testing. Allele origin: germline.
Comment: In summary, the available evidence is currently insufficient to determine the role of this variant in disease. Therefore, it has been classified as a Variant of Uncertain Significance. Algorithms developed to predict the effect of missense changes on protein structure and function (SIFT, PolyPhen-2, Align-GVGD) all suggest that this variant is likely to be tolerated, but these predictions have not been confirmed by published functional studies and their clinical significance is uncertain. This variant has not been reported in the literature in individuals with ATP2A1-related conditions. This variant is present in population databases (rs567407505, ExAC 0.01%). This sequence change replaces proline with leucine at codon 571 of the ATP2A1 protein (p.Pro571Leu). The proline residue is moderately conserved and there is a moderate physicochemical difference between proline and leucine.

NM_004320.6(ATP2A1):c.1712C>T (p.Pro571Leu)

Gene: ATP2A1 (ATPase sarcoplasmic/endoplasmic reticulum Ca2+ transporting 1; plus strand). Cytogenetic location: 16p11.2.
Variant type: single nucleotide variant.
Coding change: c.1712C>T on transcript NM_004320.6 (MANE Select); coding-DNA position 1712, C replaced by T.
Protein change: p.Pro571Leu; replaces proline 571 with leucine.
Molecular consequence: missense variant.
Genome position (GRCh38, 1-based): chr16:28,898,399, C>T. VCF-style: chr16-28898399-C-T. GRCh37 (hg19) VCF-style: chr16-28909720-C-T.
Other names: c.1337C>T, p.Pro446Leu (NM_001286075.2); c.1712C>T, p.Pro571Leu (NM_173201.5); short protein forms P446L, P571L.
Identifiers: ClinVar variation 949221 (VCV000949221.8), dbSNP rs567407505, ClinGen allele CA7987059.